The following is an entry in ClinVar:

NM_002547.3(OPHN1):c.313G>C (p.Val105Leu)

Gene: OPHN1 (oligophrenin 1; minus strand). Cytogenetic location: Xq12.
Variant type: single nucleotide variant.
Coding change: c.313G>C on transcript NM_002547.3 (MANE Select); coding-DNA position 313, G replaced by C.
Protein change: p.Val105Leu; replaces valine 105 with leucine.
Molecular consequence: missense variant.
Genome position (GRCh38, 1-based): chrX:68,274,809, C>G on the plus strand (G>C on the coding strand, the complement: OPHN1 is on the minus strand). VCF-style: chrX-68274809-C-G. GRCh37 (hg19) VCF-style: chrX-67494651-C-G.
Other names: short protein forms V105L.
Identifiers: ClinVar variation 3365813 (VCV003365813.1).

ClinVar aggregate classification (germline): Uncertain significance (1 of 4 stars; one submission).

Submission:

GeneDx
Classification: Uncertain significance. Last evaluated: 2023-12-24. Review status: criteria provided, single submitter. Criteria: GeneDx Variant Classification Process June 2021. Collection method: clinical testing. Allele origin: germline. Affected: yes.
Comment: Has not been previously published as pathogenic or benign to our knowledge; Not observed at significant frequency in large population cohorts (gnomAD); In silico analysis supports that this missense variant does not alter protein structure/function